The following is an entry in ClinVar:

ClinVar aggregate classification (germline): Uncertain significance (1 of 4 stars; one submission).

Conditions:
BBS9-related disorder. Also called: BBS9-related condition.

gnomAD v4.1: 2 of 1,613,838 alleles (0.00012%); highest among the groups gnomAD compares: Non-Finnish European, 0.00017%; no homozygotes.

Submission:

PreventionGenetics, part of Exact Sciences
Classification: Uncertain significance for BBS9-related condition. Last evaluated: 2026-07-31. Review status: criteria provided, single submitter. Criteria: ACMG Guidelines, 2015. Collection method: clinical testing. Allele origin: germline.
Comment: The BBS9 c.495G>T variant is predicted to result in the amino acid substitution p.Glu165Asp. To our knowledge, this variant has not been reported in the literature. This variant is reported in 0.00088% of alleles in individuals of European (Non-Finnish) descent in gnomAD. At this time, the clinical significance of this variant is uncertain due to the absence of conclusive functional and genetic evidence.

NM_198428.3(BBS9):c.495G>T (p.Glu165Asp)

Gene: BBS9 (Bardet-Biedl syndrome 9; plus strand). Cytogenetic location: 7p14.3.
Variant type: single nucleotide variant.
Coding change: c.495G>T on transcript NM_198428.3 (MANE Select); coding-DNA position 495, G replaced by T.
Protein change: p.Glu165Asp; replaces glutamic acid 165 with aspartic acid.
Molecular consequence: missense variant. On other transcripts: non-coding transcript variant (3).
Genome position (GRCh38, 1-based): chr7:33,257,288, G>T. VCF-style: chr7-33257288-G-T. GRCh37 (hg19) VCF-style: chr7-33296900-G-T.
Other names: c.495G>T, p.Glu165Asp (NM_001033604.2, NM_001033605.2, NM_001348036.1 and 5 more transcripts); c.129G>T, p.Glu43Asp (NM_001348037.3, NM_001348044.3, NM_001348045.3 and 1 more transcripts); c.222G>T, p.Glu74Asp (NM_001348038.3, NM_001348039.3); c.360G>T, p.Glu120Asp (NM_001348042.3); short protein forms E120D, E165D, E43D, E74D.
Identifiers: ClinVar variation 4991211 (VCV004991211.1).